The following is an entry in ClinVar:

NM_006506.5(RASA2):c.637A>G (p.Lys213Glu)

Gene: RASA2 (RAS p21 protein activator 2; plus strand). Cytogenetic location: 3q23.
Variant type: single nucleotide variant.
Coding change: c.637A>G on transcript NM_006506.5 (MANE Select); coding-DNA position 637, A replaced by G.
Protein change: p.Lys213Glu; replaces lysine 213 with glutamic acid.
Molecular consequence: missense variant.
Genome position (GRCh38, 1-based): chr3:141,555,865, A>G. VCF-style: chr3-141555865-A-G. GRCh37 (hg19) VCF-style: chr3-141274707-A-G.
Other names: c.637A>G, p.Lys213Glu (NM_001303245.3, NM_001303246.3); short protein forms K213E.
Identifiers: ClinVar variation 3430474 (VCV003430474.3).

ClinVar aggregate classification (germline): Uncertain significance. Review status: criteria provided, multiple submitters, no conflicts (2 of 4 stars). 2 submissions from 2 submitters: Uncertain significance (2). Last evaluated 2024-07-17.

gnomAD v4.1: 5 of 1,612,830 alleles (0.00031%); highest among the groups gnomAD compares: Non-Finnish European, 0.00042%; no homozygotes.

Submissions (2):

Ambry Genetics
Classification: Uncertain significance. Last evaluated: 2024-07-17. Review status: criteria provided, single submitter. Criteria: Ambry Variant Classification Scheme 2023. Collection method: clinical testing. Allele origin: germline.
Comment: The p.K213E variant (also known as c.637A>G), located in coding exon 7 of the RASA2 gene, results from an A to G substitution at nucleotide position 637. The lysine at codon 213 is replaced by glutamic acid, an amino acid with similar properties. This amino acid position is conserved. In addition, the in silico prediction for this alteration is inconclusive. Based on the available evidence, the clinical significance of this variant remains unclear.

Labcorp Genetics (formerly Invitae), Labcorp
Classification: Uncertain significance. Last evaluated: 2024-05-13. Review status: criteria provided, single submitter. Criteria: Invitae Variant Classification Sherloc (09022015). Collection method: clinical testing. Allele origin: germline.
Comment: This sequence change replaces lysine, which is basic and polar, with glutamic acid, which is acidic and polar, at codon 213 of the RASA2 protein (p.Lys213Glu). This variant is not present in population databases (gnomAD no frequency). This variant has not been reported in the literature in individuals affected with RASA2-related conditions. Advanced modeling of protein sequence and biophysical properties (such as structural, functional, and spatial information, amino acid conservation, physicochemical variation, residue mobility, and thermodynamic stability) performed at Invitae indicates that this missense variant is expected to disrupt RASA2 protein function with a positive predictive value of 80%. In summary, the available evidence is currently insufficient to determine the role of this variant in disease. Therefore, it has been classified as a Variant of Uncertain Significance.